The following is an entry in ClinVar:

NM_001042616.3(PIGY):c.107G>C (p.Ser36Thr)

Genes: PIGY (phosphatidylinositol glycan anchor biosynthesis class Y; minus strand), PYURF (PIGY upstream open reading frame; minus strand). Cytogenetic location: 4q22.1.
Variant type: single nucleotide variant.
Coding change: c.107G>C on transcript NM_001042616.3 (MANE Select); coding-DNA position 107, G replaced by C.
Protein change: p.Ser36Thr; replaces serine 36 with threonine.
Molecular consequence: missense variant. On other transcripts: 3 prime UTR variant (1).
Genome position (GRCh38, 1-based): chr4:88,521,683, C>G on the plus strand (G>C on the coding strand, the complement: PIGY is on the minus strand). VCF-style: chr4-88521683-C-G. GRCh37 (hg19) VCF-style: chr4-89442834-C-G.
Other names: c.*205G>C (NM_032906.5); short protein forms S36T.
Identifiers: ClinVar variation 3701319 (VCV003701319.2).

ClinVar aggregate classification (germline): Uncertain significance (1 of 4 stars; one submission).

Submission:

Labcorp Genetics (formerly Invitae), Labcorp
Classification: Uncertain significance. Last evaluated: 2024-05-02. Review status: criteria provided, single submitter. Criteria: Invitae Variant Classification Sherloc (09022015). Collection method: clinical testing. Allele origin: germline.
Comment: This sequence change replaces serine, which is neutral and polar, with threonine, which is neutral and polar, at codon 36 of the PIGY protein (p.Ser36Thr). This variant is not present in population databases (gnomAD no frequency). This variant has not been reported in the literature in individuals affected with PIGY-related conditions. An algorithm developed to predict the effect of missense changes on protein structure and function (PolyPhen-2) suggests that this variant is likely to be tolerated. In summary, the available evidence is currently insufficient to determine the role of this variant in disease. Therefore, it has been classified as a Variant of Uncertain Significance.